The following is an entry in ClinVar:

ClinVar aggregate classification (germline): Likely benign. Review status: criteria provided, multiple submitters, no conflicts (2 of 4 stars). 6 submissions from 6 submitters: Likely benign (6). Last evaluated 2026-04-01.

Conditions:
Myopathy, proximal, and ophthalmoplegia (CMYO6). Also called: INCLUSION BODY MYOPATHY 3, AUTOSOMAL DOMINANT; MYOPATHY WITH CONGENITAL JOINT CONTRACTURES, OPHTHALMOPLEGIA, AND RIMMED VACUOLES; CONGENITAL MYOPATHY 6 WITH OPHTHALMOPLEGIA. Identifiers: Orphanet 363677, Orphanet 79091, MedGen C1854106, MONDO:0011577, OMIM 605637.

Allele frequency attached by ClinVar (database versions not stated): gnomAD exomes 0.00071 and 0.00109; ESP Exome Variant Server 0.00077; ExAC 0.00097; gnomAD 0.00104 and 0.00112; TOPMed 0.00106; 1000 Genomes Project 0.00200; 1000 Genomes Project 30x 0.00203.
gnomAD v4.1: 1,243 of 1,614,140 alleles (0.077%); highest among the groups gnomAD compares: Middle Eastern, 0.54%; 3 homozygotes.

Submissions (6):

CeGaT Center for Human Genetics Tuebingen
Classification: Likely benign. Last evaluated: 2026-04-01. Review status: criteria provided, single submitter. Criteria: CeGaT Center For Human Genetics Tuebingen Variant Classification Criteria Version 2. Collection method: clinical testing. Allele origin: germline. Affected: yes. Observed: 5 variant alleles.
Comment: MYH2: BP4, BP7

Labcorp Genetics (formerly Invitae), Labcorp
Classification: Likely benign for Myopathy, proximal, and ophthalmoplegia. Last evaluated: 2026-01-18. Review status: criteria provided, single submitter. Criteria: Invitae Variant Classification Sherloc (09022015). Collection method: clinical testing. Allele origin: germline.

Blueprint Genetics
Classification: Likely benign. Last evaluated: 2024-11-21. Review status: criteria provided, single submitter. Criteria: ACMG Guidelines, 2015. Collection method: clinical testing. Allele origin: germline.

GeneDx
Classification: Likely benign. Last evaluated: 2021-06-28. Review status: criteria provided, single submitter. Criteria: GeneDx Variant Classification Process June 2021. Collection method: clinical testing. Allele origin: germline. Affected: yes.

Breakthrough Genomics
Classification: Likely benign. Review status: criteria provided, single submitter. Criteria: ACMG Guidelines, 2015. Collection method: not provided. Allele origin: germline. Inheritance: Autosomal dominant inheritance. Affected: yes.

PreventionGenetics, part of Exact Sciences
Classification: Likely benign. Review status: criteria provided, single submitter. Criteria: ACMG Guidelines, 2015. Collection method: clinical testing. Allele origin: germline.

NM_017534.6(MYH2):c.3048G>A (p.Leu1016=)

Genes: MYHAS (myosin heavy chain gene cluster antisense RNA; plus strand), MYH2 (myosin heavy chain 2; minus strand). Cytogenetic location: 17p13.1.
Variant type: single nucleotide variant.
Coding change: c.3048G>A on transcript NM_017534.6 (MANE Select); coding-DNA position 3048, G replaced by A.
Protein change: p.Leu1016=; no amino-acid change (leucine 1016 retained).
Molecular consequence: synonymous variant.
Genome position (GRCh38, 1-based): chr17:10,529,633, C>T on the plus strand (G>A on the coding strand, the complement: MYH2 is on the minus strand). VCF-style: chr17-10529633-C-T. GRCh37 (hg19) VCF-style: chr17-10432950-C-T.
Other names: c.3048G>A, p.Leu1016= (NM_001100112.2).
Identifiers: ClinVar variation 260819 (VCV000260819.51), dbSNP rs145796634, ClinGen allele CA8391014.